The following is an entry in ClinVar:

ClinVar aggregate classification (germline): Benign/Likely benign. Review status: criteria provided, multiple submitters, no conflicts (2 of 4 stars). 3 submissions from 3 submitters: Benign (1); Likely benign (2). Last evaluated 2026-01-28.

Conditions:
Developmental and epileptic encephalopathy, 23 (DEE23). Also called: Epileptic encephalopathy, early infantile, 23. Identifiers: Orphanet 411986, MedGen C4014492, MONDO:0014371, OMIM 615859.

Allele frequency attached by ClinVar (database versions not stated): gnomAD exomes 0.00005 and 0.00014; 1000 Genomes Project 30x 0.00016; 1000 Genomes Project 0.00020; ExAC 0.00041; gnomAD 0.00075 and 0.00083; TOPMed 0.00077; ESP Exome Variant Server 0.00100.
gnomAD v4.1: 184 of 1,549,872 alleles (0.012%); highest among the groups gnomAD compares: African/African-American, 0.24%; no homozygotes.

Submissions (3):

Labcorp Genetics (formerly Invitae), Labcorp
Classification: Benign for Developmental and epileptic encephalopathy, 23. Last evaluated: 2026-01-28. Review status: criteria provided, single submitter. Criteria: Invitae Variant Classification Sherloc (09022015). Collection method: clinical testing. Allele origin: germline.

Genome-Nilou Lab
Classification: Likely benign for Developmental and epileptic encephalopathy, 23. Last evaluated: 2023-04-11. Review status: criteria provided, single submitter. Criteria: ACMG Guidelines, 2015. Collection method: clinical testing. Allele origin: germline. Affected: no.

CeGaT Center for Human Genetics Tuebingen
Classification: Likely benign. Last evaluated: 2023-04-01. Review status: criteria provided, single submitter. Criteria: CeGaT Center For Human Genetics Tuebingen Variant Classification Criteria Version 2. Collection method: clinical testing. Allele origin: germline. Affected: yes. Observed: 1 variant allele.
Comment: DOCK7: BP4, BP7

NM_001367561.1(DOCK7):c.480T>C (p.Ser160=)

Gene: DOCK7 (dedicator of cytokinesis 7; minus strand). Cytogenetic location: 1p31.3.
Variant type: single nucleotide variant.
Coding change: c.480T>C on transcript NM_001367561.1 (MANE Select); coding-DNA position 480, T replaced by C.
Protein change: p.Ser160=; no amino-acid change (serine 160 retained).
Molecular consequence: synonymous variant.
Genome position (GRCh38, 1-based): chr1:62,648,454, A>G on the plus strand (T>C on the coding strand, the complement: DOCK7 is on the minus strand). VCF-style: chr1-62648454-A-G. GRCh37 (hg19) VCF-style: chr1-63114125-A-G.
Other names: c.480T>C, p.Ser160= (NM_001271999.2, NM_001272000.2, NM_001272001.2 and 3 more transcripts).
Identifiers: ClinVar variation 541933 (VCV000541933.36), dbSNP rs142535471, ClinGen allele CA887182.